The following is an entry in ClinVar:

ClinVar aggregate classification (germline): Uncertain significance (1 of 4 stars; one submission).

Conditions:
Myoclonic dystonia 11 (DYT11). Also called: SGCE Myoclonus-Dystonia; Myoclonus-Dystonia; DYT-SGCE; Myoclonic dystonia; Dystonia 11; Dystonia, alcohol responsive. Identifiers: Orphanet 36899, MedGen C1834570, MONDO:0008044, OMIM 159900.

gnomAD v4.1: 1 of 1,610,990 alleles (0.000062%); no homozygotes.

Submission:

Labcorp Genetics (formerly Invitae), Labcorp
Classification: Uncertain significance for Myoclonic dystonia. Last evaluated: 2018-08-16. Review status: criteria provided, single submitter. Criteria: Invitae Variant Classification Sherloc (09022015). Collection method: clinical testing. Allele origin: germline.
Comment: This sequence change replaces asparagine with tyrosine at codon 90 of the SGCE protein (p.Asn90Tyr). The asparagine residue is highly conserved and there is a large physicochemical difference between asparagine and tyrosine. This variant is not present in population databases (ExAC no frequency). This variant has not been reported in the literature in individuals with SGCE-related disease. Algorithms developed to predict the effect of missense changes on protein structure and function are either unavailable or do not agree on the potential impact of this missense change (SIFT: "Deleterious"; PolyPhen-2: "Probably Damaging"; Align-GVGD: "Class C0"). In summary, the available evidence is currently insufficient to determine the role of this variant in disease. Therefore, it has been classified as a Variant of Uncertain Significance.

NM_003919.3(SGCE):c.268A>T (p.Asn90Tyr)

Genes: CASD1 (CAS1 domain sialic acid O acetyltransferase 1; plus strand), SGCE (sarcoglycan epsilon; minus strand). Cytogenetic location: 7q21.3.
Variant type: single nucleotide variant.
Coding change: c.268A>T on transcript NM_003919.3 (MANE Select); coding-DNA position 268, A replaced by T.
Protein change: p.Asn90Tyr; replaces asparagine 90 with tyrosine.
Molecular consequence: missense variant. On other transcripts: 5 prime UTR variant (2).
Genome position (GRCh38, 1-based): chr7:94,628,324, T>A on the plus strand (A>T on the coding strand, the complement: SGCE is on the minus strand). VCF-style: chr7-94628324-T-A. GRCh37 (hg19) VCF-style: chr7-94257636-T-A.
Other names: c.268A>T, p.Asn90Tyr (NM_001099400.2, NM_001099401.2, NM_001346717.2); c.145A>T, p.Asn49Tyr (NM_001301139.2, NM_001362809.2); c.376A>T, p.Asn126Tyr (NM_001346713.2, NM_001346715.2); c.181A>T, p.Asn61Tyr (NM_001346719.2, NM_001362807.2); c.-6A>T (NM_001346720.2, NM_001362808.2); short protein forms N126Y, N49Y, N61Y, N90Y.
Identifiers: ClinVar variation 658940 (VCV000658940.1), dbSNP rs1292233652, ClinGen allele CA368238427.